The following is an entry in ClinVar:

NM_000435.3(NOTCH3):c.3009G>C (p.Trp1003Cys)

Gene: NOTCH3 (notch receptor 3; minus strand). Cytogenetic location: 19p13.12.
Variant type: single nucleotide variant.
Coding change: c.3009G>C on transcript NM_000435.3 (MANE Select); coding-DNA position 3009, G replaced by C.
Protein change: p.Trp1003Cys; replaces tryptophan 1003 with cysteine.
Molecular consequence: missense variant.
Genome position (GRCh38, 1-based): chr19:15,180,814, C>G on the plus strand (G>C on the coding strand, the complement: NOTCH3 is on the minus strand). VCF-style: chr19-15180814-C-G. GRCh37 (hg19) VCF-style: chr19-15291625-C-G.
Other names: p.Trp1003Cys; short protein forms W1003C.
Identifiers: ClinVar variation 978702 (VCV000978702.8), dbSNP rs1241704923, ClinGen allele CA404514401.

ClinVar aggregate classification (germline): Pathogenic/Likely pathogenic. Review status: criteria provided, multiple submitters, no conflicts (2 of 4 stars). 3 submissions from 3 submitters: Pathogenic (1); Likely pathogenic (1). 1 of the submissions does not count toward it. Last evaluated 2025-02-18.

Conditions:
Cerebral arteriopathy, autosomal dominant, with subcortical infarcts and leukoencephalopathy, type 1 (CADASIL1). Also called: Cerebral arteriopathy with subcortical infarcts and leukoencephalopathy 1; CADASIL 1; DEMENTIA, HEREDITARY MULTIINFARCT TYPE; CASIL. Identifiers: Orphanet 136, MedGen C4551768, MONDO:0000914, OMIM 125310.

Submissions (3):

Mayo Clinic Laboratories, Mayo Clinic
Classification: Pathogenic. Last evaluated: 2025-02-18. Review status: criteria provided, single submitter. Criteria: ACMG Guidelines, 2015. Collection method: clinical testing. Allele origin: germline. Observed: 1 variant allele.
Comment: PP2, PP4, PM1, PM2_supporting, PS1

Labcorp Genetics (formerly Invitae), Labcorp
Classification: Likely pathogenic. Last evaluated: 2025-01-05. Review status: criteria provided, single submitter. Criteria: Invitae Variant Classification Sherloc (09022015). Collection method: clinical testing. Allele origin: germline.
Comment: This sequence change replaces tryptophan, which is neutral and slightly polar, with cysteine, which is neutral and slightly polar, at codon 1003 of the NOTCH3 protein (p.Trp1003Cys). This variant is not present in population databases (gnomAD no frequency). This variant has not been reported in the literature in individuals affected with NOTCH3-related conditions. ClinVar contains an entry for this variant (Variation ID: 978702). Invitae Evidence Modeling of protein sequence and biophysical properties (such as structural, functional, and spatial information, amino acid conservation, physicochemical variation, residue mobility, and thermodynamic stability) indicates that this missense variant is expected to disrupt NOTCH3 protein function with a positive predictive value of 95%. This variant disrupts the p.Trp1003 amino acid residue in NOTCH3. Other variant(s) that disrupt this residue have been determined to be pathogenic (PMID: 32414585). This suggests that this residue is clinically significant, and that variants that disrupt this residue are likely to be disease-causing. In summary, the currently available evidence indicates that the variant is pathogenic, but additional data are needed to prove that conclusively. Therefore, this variant has been classified as Likely Pathogenic.

Istanbul Faculty of Medicine, Istanbul University
Classification: Likely pathogenic for Cerebral arteriopathy with subcortical infarcts and leukoencephalopathy 1. Last evaluated: 2020-08-26. Review status: no assertion criteria provided. Collection method: clinical testing. Allele origin: germline. Affected: yes. Observed: 3 variant alleles. Not counted in ClinVar's aggregate classification.
Comment: Identified in three affected siblings

Literature cited by the submitters: PubMed 35775048 (cited by Mayo Clinic Laboratories, Mayo Clinic); PubMed 32414585 (cited by Labcorp Genetics (formerly Invitae), Labcorp); DOI 10.4274/tnd.2021.91298 (cited by Istanbul Faculty of Medicine, Istanbul University).